The following is an entry in ClinVar:

ClinVar aggregate classification (germline): Uncertain significance (1 of 4 stars; one submission).

Conditions:
Congenital sideroblastic anemia-B-cell immunodeficiency-periodic fever-developmental delay syndrome. Also called: Sideroblastic anemia with B-cell immunodeficiency, periodic fevers, and developmental delay. Identifiers: Orphanet 369861, MedGen C4015172, MONDO:0014487, OMIM 616084.

Allele frequency attached by ClinVar (database versions not stated): gnomAD exomes below 0.00001; gnomAD 0.00001.
gnomAD v4.1: 4 of 1,613,962 alleles (0.00025%); highest among the groups gnomAD compares: Admixed American, 0.0017%; no homozygotes.

Submission:

Labcorp Genetics (formerly Invitae), Labcorp
Classification: Uncertain significance for Congenital sideroblastic anemia-B-cell immunodeficiency-periodic fever-developmental delay syndrome. Last evaluated: 2022-07-26. Review status: criteria provided, single submitter. Criteria: Invitae Variant Classification Sherloc (09022015). Collection method: clinical testing. Allele origin: germline.
Comment: Algorithms developed to predict the effect of missense changes on protein structure and function output the following: SIFT: "Tolerated"; PolyPhen-2: "Benign"; Align-GVGD: "Class C0". The alanine amino acid residue is found in multiple mammalian species, which suggests that this missense change does not adversely affect protein function. This sequence change replaces threonine, which is neutral and polar, with alanine, which is neutral and non-polar, at codon 49 of the TRNT1 protein (p.Thr49Ala). This variant is not present in population databases (gnomAD no frequency). This variant has not been reported in the literature in individuals affected with TRNT1-related conditions. ClinVar contains an entry for this variant (Variation ID: 964389). In summary, the available evidence is currently insufficient to determine the role of this variant in disease. Therefore, it has been classified as a Variant of Uncertain Significance.

NM_182916.3(TRNT1):c.145A>G (p.Thr49Ala)

Gene: TRNT1 (tRNA nucleotidyl transferase 1; plus strand). Cytogenetic location: 3p26.2.
Variant type: single nucleotide variant.
Coding change: c.145A>G on transcript NM_182916.3 (MANE Select); coding-DNA position 145, A replaced by G.
Protein change: p.Thr49Ala; replaces threonine 49 with alanine.
Molecular consequence: missense variant. On other transcripts: non-coding transcript variant (11).
Genome position (GRCh38, 1-based): chr3:3,129,185, A>G. VCF-style: chr3-3129185-A-G. GRCh37 (hg19) VCF-style: chr3-3170869-A-G.
Other names: c.145A>G, p.Thr49Ala (NM_001302946.2, NM_001367321.1, NM_001367322.1 and 1 more transcripts); short protein forms T49A.
Identifiers: ClinVar variation 964389 (VCV000964389.6), dbSNP rs1704830773, ClinGen allele CA351442387.